The following is an entry in ClinVar:

NM_017636.4(TRPM4):c.1608+10G>T

Gene: TRPM4 (transient receptor potential cation channel subfamily M member 4; plus strand). Cytogenetic location: 19q13.33.
Variant type: single nucleotide variant.
Coding change: c.1608+10G>T on transcript NM_017636.4 (MANE Select); 10 bases into the intron after coding-DNA position 1608, G replaced by T.
Molecular consequence: intron variant.
Genome position (GRCh38, 1-based): chr19:49,182,932, G>T. VCF-style: chr19-49182932-G-T. GRCh37 (hg19) VCF-style: chr19-49686189-G-T.
Other names: c.1608+10G>T (NM_001195227.2, NM_017636.3); c.-1+65G>T (NM_001321282.2); c.1263+10G>T (NM_001321281.2); c.1086+10G>T (NM_001321283.2); c.546+10G>T (NM_001321285.2).
Identifiers: ClinVar variation 1594018 (VCV001594018.10), dbSNP rs1362028143, ClinGen allele CA633890791.

ClinVar aggregate classification (germline): Likely benign. Review status: criteria provided, multiple submitters, no conflicts (2 of 4 stars). 3 submissions from 3 submitters: Likely benign (3). Last evaluated 2026-03-27.

Conditions:
Progressive familial heart block type IB (PFHB1B). Identifiers: Orphanet 871, MedGen C1970298, MONDO:0011474, OMIM 604559.

gnomAD v4.1: 6 of 1,584,016 alleles (0.00038%); highest among the groups gnomAD compares: Non-Finnish European, 0.00051%; no homozygotes.

Submissions (3):

Molecular Diagnostic Laboratory for Inherited Cardiovascular Disease, Montreal Heart Institute
Classification: Likely benign. Last evaluated: 2026-03-27. Review status: criteria provided, single submitter. Criteria: ACMG Guidelines, 2015. Collection method: clinical testing. Allele origin: germline. Affected: no.
Comment: BP4

Labcorp Genetics (formerly Invitae), Labcorp
Classification: Likely benign for Progressive familial heart block type IB. Last evaluated: 2026-01-01. Review status: criteria provided, single submitter. Criteria: Invitae Variant Classification Sherloc (09022015). Collection method: clinical testing. Allele origin: germline.

Blueprint Genetics
Classification: Likely benign. Last evaluated: 2024-04-22. Review status: criteria provided, single submitter. Criteria: ACMG Guidelines, 2015. Collection method: clinical testing. Allele origin: germline.